The following is an entry in ClinVar:

NM_013435.3(RAX):c.*376C>T

Gene: RAX (retina and anterior neural fold homeobox; minus strand). Cytogenetic location: 18q21.32.
Variant type: single nucleotide variant.
Coding change: c.*376C>T on transcript NM_013435.3 (MANE Select); 376 bases downstream of the stop codon, C replaced by T.
Molecular consequence: 3 prime UTR variant.
Genome position (GRCh38, 1-based): chr18:59,268,628, G>A on the plus strand (C>T on the coding strand, the complement: RAX is on the minus strand). VCF-style: chr18-59268628-G-A. GRCh37 (hg19) VCF-style: chr18-56935860-G-A.
Identifiers: ClinVar variation 327525 (VCV000327525.6), dbSNP rs3744893, ClinGen allele CA10641910.

ClinVar aggregate classification (germline): Likely benign. Review status: criteria provided, multiple submitters, no conflicts (2 of 4 stars). 2 submissions from 2 submitters: Likely benign (2). Last evaluated 2017-04-27.

Conditions:
Isolated microphthalmia 3 (MCOPS16). Also called: MICROPHTHALMIA, SYNDROMIC 16. Identifiers: Orphanet 2542, MedGen C5774181, MONDO:0012604, OMIM 611038.

Allele frequency attached by ClinVar (database versions not stated): TOPMed 0.03942; gnomAD 0.04140 and 0.04296; 1000 Genomes Project 30x 0.04372; 1000 Genomes Project 0.04493.

Submissions (2):

Illumina Laboratory Services, Illumina
Classification: Likely benign for Isolated microphthalmia 3. Last evaluated: 2017-04-27. Review status: criteria provided, single submitter. Criteria: ICSL Variant Classification Criteria 13 December 2019. Collection method: clinical testing. Allele origin: germline.
Comment: This variant was observed as part of a predisposition screen in an ostensibly healthy population. A literature search was performed for the gene, cDNA change, and amino acid change (where applicable). No publications were found based on this search. Allele frequency data from public databases allowed determination this variant is unlikely to cause disease. Therefore, this variant is classified as likely benign.

Breakthrough Genomics
Classification: Likely benign. Review status: criteria provided, single submitter. Criteria: ACMG Guidelines, 2015. Collection method: not provided. Allele origin: germline. Inheritance: Autosomal recessive inheritance. Affected: yes.